The following is an entry in ClinVar:

ClinVar aggregate classification (germline): Uncertain significance (1 of 4 stars; one submission).

Conditions:
EGFR-related lung cancer (EGFR). Identifiers: MedGen CN130014.

Submission:

Labcorp Genetics (formerly Invitae), Labcorp
Classification: Uncertain significance for EGFR-related lung cancer. Last evaluated: 2021-07-11. Review status: criteria provided, single submitter. Criteria: Invitae Variant Classification Sherloc (09022015). Collection method: clinical testing. Allele origin: germline.
Comment: Algorithms developed to predict the effect of missense changes on protein structure and function are either unavailable or do not agree on the potential impact of this missense change (SIFT: "Tolerated"; PolyPhen-2: "Probably Damaging"; Align-GVGD: "Class C0"). Algorithms developed to predict the effect of sequence changes on RNA splicing suggest that this variant may create or strengthen a splice site. In summary, the available evidence is currently insufficient to determine the role of this variant in disease. Therefore, it has been classified as a Variant of Uncertain Significance. This sequence change replaces alanine with threonine at codon 86 of the EGFR protein (p.Ala86Thr). The alanine residue is moderately conserved and there is a small physicochemical difference between alanine and threonine. This variant is not present in population databases (ExAC no frequency). This variant has not been reported in the literature in individuals affected with EGFR-related conditions.

NM_005228.5(EGFR):c.256G>A (p.Ala86Thr)

Gene: EGFR (epidermal growth factor receptor; plus strand). Cytogenetic location: 7p11.2.
Variant type: single nucleotide variant.
Coding change: c.256G>A on transcript NM_005228.5 (MANE Select); coding-DNA position 256, G replaced by A.
Protein change: p.Ala86Thr; replaces alanine 86 with threonine.
Molecular consequence: missense variant. On other transcripts: intron variant (1).
Genome position (GRCh38, 1-based): chr7:55,143,320, G>A. VCF-style: chr7-55143320-G-A. GRCh37 (hg19) VCF-style: chr7-55211013-G-A.
Other names: c.256G>A, p.Ala86Thr (NM_001346897.2, NM_001346898.2, NM_001346899.2 and 3 more transcripts); c.97G>A, p.Ala33Thr (NM_001346900.2); c.89-12510G>A (NM_001346941.2); short protein forms A33T, A86T.
Identifiers: ClinVar variation 1366745 (VCV001366745.8), dbSNP rs2128927193, ClinGen allele CA367575651.